The following is an entry in ClinVar:

ClinVar aggregate classification (germline): Conflicting classifications of pathogenicity. Review status: criteria provided, conflicting classifications (1 of 4 stars). 5 submissions from 5 submitters: Likely pathogenic (1); Uncertain significance (3). 1 of the submissions does not count toward it. Last evaluated 2025-08-04.

Conditions:
CHEK2-related cancer predisposition (TPDS4). Also called: TUMOR PREDISPOSITION SYNDROME 4; CANCER PREDISPOSITION SYNDROME, CHEK2-RELATED; CHEK2-related cancer susceptibility. Identifiers: Orphanet 524, MedGen C5882668, MONDO:0700271, OMIM 609265.
Familial cancer of breast. Also called: hereditary breast carcinoma; BREAST CANCER, FAMILIAL; Hereditary breast cancer. Identifiers: Orphanet 227535, MedGen C0346153, MONDO:0016419, OMIM 114480. Disease mechanism: loss of function.
Hereditary cancer-predisposing syndrome. Also called: Neoplastic Syndromes, Hereditary; Hereditary neoplastic syndrome; Hereditary Cancer Syndrome; Tumor predisposition. Identifiers: Orphanet 140162, MedGen C0027672, MeSH D009386, MONDO:0015356.
Malignant tumor of breast. Also called: Malignant breast neoplasm; Cancer breast. Identifiers: MedGen C0006142, MONDO:0007254. Disease mechanism: loss of function.

Submissions (5):

KCCC/NGS Laboratory, Kuwait Cancer Control Center
Classification: Uncertain significance for CHEK2-related cancer predisposition. Last evaluated: 2025-08-04. Review status: criteria provided, single submitter. Criteria: ACMG Guidelines, 2015. Collection method: clinical testing. Allele origin: germline. Inheritance: Autosomal dominant inheritance. Affected: yes. Observed: 1 heterozygote.
Comment: This sequence change replaces isoleucine, which is neutral and non-polar, with serine, which is neutral and polar, at codon 157 of the CHEK2 protein (p.Ile157Ser). This amino acid position is well conserved .

Ambry Genetics
Classification: Uncertain significance for Hereditary cancer-predisposing syndrome. Last evaluated: 2024-05-23. Review status: criteria provided, single submitter. Criteria: Ambry Variant Classification Scheme 2023. Collection method: clinical testing. Allele origin: germline.
Comment: The p.I157S variant (also known as c.470T>G), located in coding exon 3 of the CHEK2 gene, results from a T to G substitution at nucleotide position 470. The isoleucine at codon 157 is replaced by serine, an amino acid with dissimilar properties. This alteration was identified in 1 of 131 Serbian high-grade serous ovarian cancer patients undergoing multi-gene hereditary cancer testing (Krivokuca A et al. J Hum Genet, 2019 Apr;64:281-290). This amino acid position is well conserved in available vertebrate species. In addition, this alteration is predicted to be deleterious by in silico analysis. Based on the available evidence, the clinical significance of this variant remains unclear.

Labcorp Genetics (formerly Invitae), Labcorp
Classification: Uncertain significance for Familial cancer of breast. Last evaluated: 2022-06-25. Review status: criteria provided, single submitter. Criteria: Invitae Variant Classification Sherloc (09022015). Collection method: clinical testing. Allele origin: germline.
Comment: In summary, the available evidence is currently insufficient to determine the role of this variant in disease. Therefore, it has been classified as a Variant of Uncertain Significance. This variant disrupts the p.Ile157 amino acid residue in CHEK2. Other variant(s) that disrupt this residue have been determined to be pathogenic (Invitae). This suggests that this residue is clinically significant, and that variants that disrupt this residue are likely to be disease-causing. Algorithms developed to predict the effect of sequence changes on RNA splicing suggest that this variant may create or strengthen a splice site. Algorithms developed to predict the effect of missense changes on protein structure and function are either unavailable or do not agree on the potential impact of this missense change (SIFT: "Deleterious"; PolyPhen-2: "Benign"; Align-GVGD: "Class C35"). ClinVar contains an entry for this variant (Variation ID: 265327). This missense change has been observed in individual(s) with ovarian cancer (PMID: 30651582). This variant is not present in population databases (gnomAD no frequency). This sequence change replaces isoleucine, which is neutral and non-polar, with serine, which is neutral and polar, at codon 157 of the CHEK2 protein (p.Ile157Ser).

GeneDx
Classification: Likely pathogenic. Last evaluated: 2015-04-17. Review status: criteria provided, single submitter. Criteria: GeneDx Variant Classification (06012015). Collection method: clinical testing. Allele origin: germline. Affected: yes.
Comment: This variant is denoted CHEK2 c.470T>G at the cDNA level, p.Ile157Ser (I157S) at the protein level, and results in the change of an Isoleucine to a Serine (ATT>AGT). This variant has not, to our knowledge, been published in the literature as pathogenic or benign. However, another non-conservative change at the same amino acid residue, CHEK2 Ile157Thr (I157T), has been observed in case-control studies at a higher frequency in breast and colon cancer cases than controls (Kilpivaara 2006, Suchy 2010, Desrichard 2011, Liu 2012, Han 2013). In addition, CHEK2 Ile157Thr was shown by a large meta-analysis to be associated with an increased risk of lobular breast cancer (OR>4.1) (Liu 2012). CHEK2 Ile157Ser was not observed in approximately 6,500 individuals of European and African American ancestry in the NHLBI Exome Sequencing Project, indicating it is not a common benign variant in these populations. Since Isoleucine and Serine differ in polarity, charge, size or other properties, this is considered a non-conservative amino acid substitution. CHEK2 Ile157Ser occurs at a position that is highly conserved across species and is located within the FHA domain (Desrichard 2011, Roeb 2012). In silico analyses are inconsistent regarding the effect this variant may have on protein structure and function. Based on the currently available information, we consider CHEK2 Ile157Ser to be a likely pathogenic variant.

Department of Pathology and Laboratory Medicine, Sinai Health System
Classification: Uncertain significance for Malignant tumor of breast. Review status: no assertion criteria provided. Collection method: clinical testing. Allele origin: unknown. Affected: yes. Study: The Canadian Open Genetics Repository (COGR). Not counted in ClinVar's aggregate classification.
Comment: The CHEK2 p.Ile157Ser variant was not identified in the literature; however, a different CHEK2 p.Ile157 variant (p.Ile157Thr) was: the Ile157 residue is located in the FHA (forkhead-associated) domain and the p.Ile157Thr variant has been suggested to be functionally deficient in dimerization and autophoshorylation activity (Cai 2009); it is uncertain whether the p.Ile157Thr variant would have a similar predicted effect on protein function. The variant was identified in dbSNP (ID: rs17879961) as â€šÃ„ÃºWith Likely pathogenic, Pathogenic alleleâ€šÃ„Ã¹ and ClinVar (classified likely pathogenic by GeneDx). The variant was not identified in the following control databases: the Exome Aggregation Consortium (August 8th 2016) or the Genome Aggregation Database (Feb 27, 2017). The p.Ile157 residue is conserved in mammals and computational analyses (PolyPhen-2, SIFT, AlignGVGD, BLOSUM, MutationTaster) provide inconsistent predictions regarding the impact of the Ser variant to the protein; this information is not very predictive of pathogenicity. The variant occurs outside of the splicing consensus sequence and 1 of 4 in silico or computational prediction software programs (SpliceSiteFinder, MaxEntScan, NNSPLICE, GeneSplicer) predicts a greater than 10% difference in splicing. In summary, based on the above information, the clinical significance of this variant cannot be determined with certainty at this time. This variant is classified as a variant of uncertain significance.

Literature cited by the submitters: PubMed 30651582 (cited by Ambry Genetics and Labcorp Genetics (formerly Invitae), Labcorp).

NM_007194.4(CHEK2):c.470T>G (p.Ile157Ser)

Gene: CHEK2 (checkpoint kinase 2; minus strand). Cytogenetic location: 22q12.1.
Variant type: single nucleotide variant.
Coding change: c.470T>G on transcript NM_007194.4 (MANE Select); coding-DNA position 470, T replaced by G.
Protein change: p.Ile157Ser; replaces isoleucine 157 with serine.
Molecular consequence: missense variant. On other transcripts: 5 prime UTR variant (2), intron variant (1).
Genome position (GRCh38, 1-based): chr22:28,725,099, A>C on the plus strand (T>G on the coding strand, the complement: CHEK2 is on the minus strand). VCF-style: chr22-28725099-A-C. GRCh37 (hg19) VCF-style: chr22-29121087-A-C.
Other names: c.599T>G, p.Ile200Ser (NM_001005735.3, NM_001438294.1); c.-308T>G (NM_001257387.3); c.-194T>G (NM_001437942.1); c.563T>G, p.Ile188Ser (NM_001438293.1, NM_001438295.1); c.470T>G, p.Ile157Ser (NM_145862.3); c.444+144T>G (NM_001349956.3); short protein forms I157S, I200S, I188S.
Identifiers: ClinVar variation 265327 (VCV000265327.11), dbSNP rs17879961, ClinGen allele CA10588724.